The following is an entry in ClinVar:

NM_017780.4(CHD7):c.2626C>A (p.Leu876Ile)

Gene: CHD7 (chromodomain helicase DNA binding protein 7; plus strand). Cytogenetic location: 8q12.2.
Variant type: single nucleotide variant.
Coding change: c.2626C>A on transcript NM_017780.4 (MANE Select); coding-DNA position 2626, C replaced by A.
Protein change: p.Leu876Ile; replaces leucine 876 with isoleucine.
Molecular consequence: missense variant. On other transcripts: intron variant (1).
Genome position (GRCh38, 1-based): chr8:60,820,019, C>A. VCF-style: chr8-60820019-C-A. GRCh37 (hg19) VCF-style: chr8-61732578-C-A.
Other names: c.1716+38969C>A (NM_001316690.1); short protein forms L876I.
Identifiers: ClinVar variation 2729542 (VCV002729542.4), dbSNP rs368156500, ClinGen allele CA4759783.

ClinVar aggregate classification (germline): Uncertain significance. Review status: criteria provided, multiple submitters, no conflicts (2 of 4 stars). 2 submissions from 2 submitters: Uncertain significance (2). Last evaluated 2023-11-16.

Conditions:
CHARGE syndrome (CHARGE). Also called: Hittner Hirsch Kreh syndrome; CHARGE ASSOCIATION--COLOBOMA, HEART ANOMALY, CHOANAL ATRESIA, RETARDATION, GENITAL AND EAR ANOMALIES; Coloboma, heart anomaly, choanal atresia, retardation, genital and ear anomalies; CHARGE association; Hall-Hittner syndrome. Identifiers: Orphanet 138, MedGen C0265354, MONDO:0008965.

Allele frequency attached by ClinVar (database versions not stated): TOPMed 0.00003; gnomAD 0.00004; ESP Exome Variant Server 0.00008.
gnomAD v4.1: 7 of 1,587,376 alleles (0.00044%); highest among the groups gnomAD compares: African/African-American, 0.0098%; no homozygotes.

Submissions (2):

GeneDx
Classification: Uncertain significance. Last evaluated: 2023-11-16. Review status: criteria provided, single submitter. Criteria: GeneDx Variant Classification Process June 2021. Collection method: clinical testing. Allele origin: germline. Affected: yes.
Comment: In silico analysis supports that this missense variant does not alter protein structure/function; Has not been previously published as pathogenic or benign to our knowledge

Labcorp Genetics (formerly Invitae), Labcorp
Classification: Uncertain significance for CHARGE syndrome. Last evaluated: 2023-08-20. Review status: criteria provided, single submitter. Criteria: Invitae Variant Classification Sherloc (09022015). Collection method: clinical testing. Allele origin: germline.
Comment: This sequence change replaces leucine, which is neutral and non-polar, with isoleucine, which is neutral and non-polar, at codon 876 of the CHD7 protein (p.Leu876Ile). The frequency data for this variant in the population databases is considered unreliable, as metrics indicate poor data quality at this position in the gnomAD database. This variant has not been reported in the literature in individuals affected with CHD7-related conditions. Advanced modeling of protein sequence and biophysical properties (such as structural, functional, and spatial information, amino acid conservation, physicochemical variation, residue mobility, and thermodynamic stability) performed at Invitae indicates that this missense variant is not expected to disrupt CHD7 protein function. In summary, the available evidence is currently insufficient to determine the role of this variant in disease. Therefore, it has been classified as a Variant of Uncertain Significance.